The following is an entry in ClinVar:

NM_024665.7(TBL1XR1):c.1123A>G (p.Ile375Val)

Gene: TBL1XR1 (TBL1X/Y related 1; minus strand). Cytogenetic location: 3q26.32.
Variant type: single nucleotide variant.
Coding change: c.1123A>G on transcript NM_024665.7 (MANE Select); coding-DNA position 1123, A replaced by G.
Protein change: p.Ile375Val; replaces isoleucine 375 with valine.
Molecular consequence: missense variant.
Genome position (GRCh38, 1-based): chr3:177,034,325, T>C on the plus strand (A>G on the coding strand, the complement: TBL1XR1 is on the minus strand). VCF-style: chr3-177034325-T-C. GRCh37 (hg19) VCF-style: chr3-176752113-T-C.
Other names: c.1123A>G, p.Ile375Val (NM_001321193.3, NM_001321194.3, NM_001374327.1 and 2 more transcripts); c.862A>G, p.Ile288Val (NM_001321195.3, NM_001374330.1); c.1123A>G (NM_024665.4); short protein forms I375V, I288V.
Identifiers: ClinVar variation 3665439 (VCV003665439.3).

ClinVar aggregate classification (germline): Uncertain significance. Review status: criteria provided, multiple submitters, no conflicts (2 of 4 stars). 2 submissions from 2 submitters: Uncertain significance (2). Last evaluated 2026-08-18.

Conditions:
Inborn genetic diseases. Identifiers: MedGen C0950123, MeSH D030342.
Pierpont syndrome (PRPTS). Identifiers: Orphanet 487825, MedGen C1865644, MONDO:0011213, OMIM 602342.

gnomAD v4.1: 19 of 1,539,028 alleles (0.0012%); highest among the groups gnomAD compares: Non-Finnish European, 0.0016%; no homozygotes.

Submissions (2):

Ambry Genetics
Classification: Uncertain significance for Inborn genetic diseases. Last evaluated: 2026-08-18. Review status: criteria provided, single submitter. Criteria: Ambry Variant Classification Scheme 2023. Collection method: clinical testing. Allele origin: germline.

Labcorp Genetics (formerly Invitae), Labcorp
Classification: Uncertain significance for Pierpont syndrome. Last evaluated: 2025-07-15. Review status: criteria provided, single submitter. Criteria: Invitae Variant Classification Sherloc (09022015). Collection method: clinical testing. Allele origin: germline.
Comment: This sequence change replaces isoleucine, which is neutral and non-polar, with valine, which is neutral and non-polar, at codon 375 of the TBL1XR1 protein (p.Ile375Val). This variant is not present in population databases (gnomAD no frequency). This variant has not been reported in the literature in individuals affected with TBL1XR1-related conditions. ClinVar contains an entry for this variant (Variation ID: 3665439). An algorithm developed to predict the effect of missense changes on protein structure and function (PolyPhen-2) suggests that this variant is likely to be tolerated. In summary, the available evidence is currently insufficient to determine the role of this variant in disease. Therefore, it has been classified as a Variant of Uncertain Significance.